The following is an entry in ClinVar:

NM_001110556.2(FLNA):c.5557+6C>T

Gene: FLNA (filamin A; minus strand). Cytogenetic location: Xq28.
Variant type: single nucleotide variant.
Coding change: c.5557+6C>T on transcript NM_001110556.2 (MANE Select); 6 bases into the intron after coding-DNA position 5557, C replaced by T.
Molecular consequence: intron variant.
Genome position (GRCh38, 1-based): chrX:154,354,145, G>A on the plus strand (C>T on the coding strand, the complement: FLNA is on the minus strand). VCF-style: chrX-154354145-G-A. GRCh37 (hg19) VCF-style: chrX-153582513-G-A.
Other names: c.5533+6C>T (NM_001456.4).
Identifiers: ClinVar variation 2051682 (VCV002051682.5), dbSNP rs2522726227, ClinGen allele CA2580101840.
Genomic context (GRCh38, chrX:154,354,145, plus strand): 5'-TGTCCCCCAGCCCCATCTCTCTGTGAGGTGGTGGCGGTGGAGTGGGCAGAGGCAGGGCAG[G>A]CCCACCTGGGATGTGCATGTTGTCATAGCGGATGTCCATCTCGTGCAGGCCAGCCTCGCT-3'

ClinVar aggregate classification (germline): Uncertain significance. Review status: criteria provided, multiple submitters, no conflicts (2 of 4 stars). 2 submissions from 2 submitters: Uncertain significance (2). Last evaluated 2024-07-13.

Conditions:
Oto-palato-digital syndrome, type II (OPD2). Also called: FACIOPALATOOSSEOUS SYNDROME; OPD II SYNDROME; Otopalatodigital Syndrome, Type II; Otopalatodigital Syndrome Type 2 (FLNA-OPD2). Identifiers: Orphanet 669, Orphanet 90652, MedGen C1844696, MONDO:0010571, OMIM 304120.
Heterotopia, periventricular, X-linked dominant (PVNH1). Also called: PERIVENTRICULAR NODULAR HETEROTOPIA 1; X-linked periventricular heterotopia; PERIVENTRICULAR NODULAR HETEROTOPIA 4; HETEROTOPIA, PERIVENTRICULAR, 1. Identifiers: Orphanet 2149, Orphanet 82004, MedGen C1848213, MONDO:0010233, OMIM 300049.
Frontometaphyseal dysplasia (FMD1). Identifiers: Orphanet 1826, MedGen C0265293, MONDO:0015942.
Melnick-Needles syndrome (MNS). Also called: MELNICK-NEEDLES OSTEODYSPLASTY; OSTEODYSPLASTY OF MELNICK AND NEEDLES; Melnick-Needles Syndrome (FLNA-MNS). Identifiers: Orphanet 2484, MedGen C0025237, MONDO:0010650, OMIM 309350.
Intellectual disability. Also called: Intellectual functioning disability; intellectual disabilities; Intellectual developmental disorder. Identifiers: MedGen C3714756, MeSH D008607, MONDO:0001071, HP:0001249.

Allele frequency attached by ClinVar (database versions not stated): gnomAD exomes below 0.00001.
gnomAD v4.1: 5 of 1,211,779 alleles (0.00041%); highest among the groups gnomAD compares: East Asian, 0.003%; no homozygotes.

Submissions (2):

Labcorp Genetics (formerly Invitae), Labcorp
Classification: Uncertain significance for Oto-palato-digital syndrome, type II; Heterotopia, periventricular, X-linked dominant; Frontometaphyseal dysplasia; Melnick-Needles syndrome. Last evaluated: 2024-07-13. Review status: criteria provided, single submitter. Criteria: Invitae Variant Classification Sherloc (09022015). Collection method: clinical testing. Allele origin: germline.
Comment: This sequence change falls in intron 33 of the FLNA gene. It does not directly change the encoded amino acid sequence of the FLNA protein. It affects a nucleotide within the consensus splice site. This variant is not present in population databases (gnomAD no frequency). This variant has not been reported in the literature in individuals affected with FLNA-related conditions. ClinVar contains an entry for this variant (Variation ID: 2051682). Variants that disrupt the consensus splice site are a relatively common cause of aberrant splicing (PMID: 17576681, 9536098). Algorithms developed to predict the effect of sequence changes on RNA splicing suggest that this variant is not likely to affect RNA splicing. In summary, the available evidence is currently insufficient to determine the role of this variant in disease. Therefore, it has been classified as a Variant of Uncertain Significance.

Cambridge Genomics Laboratory, East Genomic Laboratory Hub, NHS Genomic Medicine Service
Classification: Uncertain significance for Intellectual disability. Last evaluated: 2020-03-27. Review status: criteria provided, single submitter. Criteria: ACGS Best Practice Guidelines for Variant Classification in Rare Disease 2020. Collection method: clinical testing. Allele origin: germline. Affected: yes. Observed: 1 variant allele.

Literature cited by the submitters: PubMed 17576681 (cited by Labcorp Genetics (formerly Invitae), Labcorp); PubMed 9536098 (cited by Labcorp Genetics (formerly Invitae), Labcorp).